The following is an entry in ClinVar:

ClinVar aggregate classification (germline): Uncertain significance (1 of 4 stars; one submission).

Allele frequency attached by ClinVar (database versions not stated): TOPMed 0.00002; gnomAD exomes 0.00003; ExAC 0.00005; ESP Exome Variant Server 0.00008.
gnomAD v4.1: 31 of 1,614,054 alleles (0.0019%); highest among the groups gnomAD compares: African/African-American, 0.012%; no homozygotes.

Submission:

Labcorp Genetics (formerly Invitae), Labcorp
Classification: Uncertain significance. Last evaluated: 2022-10-17. Review status: criteria provided, single submitter. Criteria: Invitae Variant Classification Sherloc (09022015). Collection method: clinical testing. Allele origin: germline.
Comment: This variant has not been reported in the literature in individuals affected with SH3PXD2B-related conditions. This variant is present in population databases (rs147231839, gnomAD 0.02%). This sequence change replaces arginine, which is basic and polar, with glutamine, which is neutral and polar, at codon 573 of the SH3PXD2B protein (p.Arg573Gln). ClinVar contains an entry for this variant (Variation ID: 1005882). In summary, the available evidence is currently insufficient to determine the role of this variant in disease. Therefore, it has been classified as a Variant of Uncertain Significance. Algorithms developed to predict the effect of missense changes on protein structure and function (SIFT, PolyPhen-2, Align-GVGD) all suggest that this variant is likely to be tolerated.

NM_001017995.3(SH3PXD2B):c.1718G>A (p.Arg573Gln)

Gene: SH3PXD2B (SH3 and PX domains 2B; minus strand). Cytogenetic location: 5q35.1.
Variant type: single nucleotide variant.
Coding change: c.1718G>A on transcript NM_001017995.3 (MANE Select); coding-DNA position 1718, G replaced by A.
Protein change: p.Arg573Gln; replaces arginine 573 with glutamine.
Molecular consequence: missense variant. On other transcripts: intron variant (1).
Genome position (GRCh38, 1-based): chr5:172,339,387, C>T on the plus strand (G>A on the coding strand, the complement: SH3PXD2B is on the minus strand). VCF-style: chr5-172339387-C-T. GRCh37 (hg19) VCF-style: chr5-171766391-C-T.
Other names: c.1188+6749G>A (NM_001308175.2); short protein forms R573Q.
Identifiers: ClinVar variation 1005882 (VCV001005882.6), dbSNP rs147231839, ClinGen allele CA3561107.